The following is an entry in ClinVar:

ClinVar aggregate classification (germline): Uncertain significance (1 of 4 stars; one submission).

Allele frequency attached by ClinVar (database versions not stated): ExAC 0.00003.
gnomAD v4.1: 75 of 1,610,678 alleles (0.0047%); highest among the groups gnomAD compares: Non-Finnish European, 0.0055%; no homozygotes.

Submission:

Labcorp Genetics (formerly Invitae), Labcorp
Classification: Uncertain significance. Last evaluated: 2025-07-13. Review status: criteria provided, single submitter. Criteria: Invitae Variant Classification Sherloc (09022015). Collection method: clinical testing. Allele origin: germline.
Comment: This sequence change replaces arginine, which is basic and polar, with glutamine, which is neutral and polar, at codon 2604 of the DCHS1 protein (p.Arg2604Gln). This variant is present in population databases (rs763453802, gnomAD 0.009%). This variant has not been reported in the literature in individuals affected with DCHS1-related conditions. ClinVar contains an entry for this variant (Variation ID: 2164259). Invitae Evidence Modeling of protein sequence and biophysical properties (such as structural, functional, and spatial information, amino acid conservation, physicochemical variation, residue mobility, and thermodynamic stability) indicates that this missense variant is not expected to disrupt DCHS1 protein function with a negative predictive value of 80%. In summary, the available evidence is currently insufficient to determine the role of this variant in disease. Therefore, it has been classified as a Variant of Uncertain Significance.

NM_003737.4(DCHS1):c.7811G>A (p.Arg2604Gln)

Gene: DCHS1 (dachsous cadherin-related 1; minus strand). Cytogenetic location: 11p15.4.
Variant type: single nucleotide variant.
Coding change: c.7811G>A on transcript NM_003737.4 (MANE Select); coding-DNA position 7811, G replaced by A.
Protein change: p.Arg2604Gln; replaces arginine 2604 with glutamine.
Molecular consequence: missense variant.
Genome position (GRCh38, 1-based): chr11:6,623,865, C>T on the plus strand (G>A on the coding strand, the complement: DCHS1 is on the minus strand). VCF-style: chr11-6623865-C-T. GRCh37 (hg19) VCF-style: chr11-6645096-C-T.
Other names: short protein forms R2604Q.
Identifiers: ClinVar variation 2164259 (VCV002164259.4), dbSNP rs763453802, ClinGen allele CA5859539.
Genomic context (GRCh38, chr11:6,623,865, plus strand): 5'-ACATGCAGCAGCTCAGCTCCAACAGGTGTGTCCTCAGGTACTGTCACACGGTAGGATGCT[C>T]GGGTAAAGACAGGTGGGTTGTCATTGACATCTAGTACAGTGACAGTGACTGGCACGACTG-3'
Protein context (NP_003728.1, residues 2594-2614): DVNDNPPVFT[Arg2604Gln]ASYRVTVPED